The following is an entry in ClinVar:

ClinVar aggregate classification (germline): Uncertain significance. Review status: criteria provided, multiple submitters, no conflicts (2 of 4 stars). 2 submissions from 2 submitters: Uncertain significance (2). Last evaluated 2024-11-13.

Conditions:
Dyskeratosis congenita. Identifiers: Orphanet 1775, MedGen C0265965, MONDO:0015780.

Submissions (2):

Blueprint Genetics
Classification: Uncertain significance. Last evaluated: 2024-11-13. Review status: criteria provided, single submitter. Criteria: ACMG Guidelines, 2015. Collection method: clinical testing. Allele origin: germline.

Labcorp Genetics (formerly Invitae), Labcorp
Classification: Uncertain significance for Dyskeratosis congenita. Last evaluated: 2024-10-15. Review status: criteria provided, single submitter. Criteria: Invitae Variant Classification Sherloc (09022015). Collection method: clinical testing. Allele origin: germline.
Comment: This sequence change replaces alanine, which is neutral and non-polar, with threonine, which is neutral and polar, at codon 450 of the CTC1 protein (p.Ala450Thr). This variant is not present in population databases (gnomAD no frequency). This variant has not been reported in the literature in individuals affected with CTC1-related conditions. ClinVar contains an entry for this variant (Variation ID: 851857). Invitae Evidence Modeling of protein sequence and biophysical properties (such as structural, functional, and spatial information, amino acid conservation, physicochemical variation, residue mobility, and thermodynamic stability) indicates that this missense variant is not expected to disrupt CTC1 protein function with a negative predictive value of 80%. In summary, the available evidence is currently insufficient to determine the role of this variant in disease. Therefore, it has been classified as a Variant of Uncertain Significance.

NM_025099.6(CTC1):c.1348G>A (p.Ala450Thr)

Gene: CTC1 (CST telomere replication complex component 1; minus strand). Cytogenetic location: 17p13.1.
Variant type: single nucleotide variant.
Coding change: c.1348G>A on transcript NM_025099.6 (MANE Select); coding-DNA position 1348, G replaced by A.
Protein change: p.Ala450Thr; replaces alanine 450 with threonine.
Molecular consequence: missense variant. On other transcripts: non-coding transcript variant (1).
Genome position (GRCh38, 1-based): chr17:8,235,144, C>T on the plus strand (G>A on the coding strand, the complement: CTC1 is on the minus strand). VCF-style: chr17-8235144-C-T. GRCh37 (hg19) VCF-style: chr17-8138462-C-T.
Other names: short protein forms A450T.
Identifiers: ClinVar variation 851857 (VCV000851857.9), dbSNP rs778433916, ClinGen allele CA397984630.